The following is an entry in ClinVar:

ClinVar aggregate classification (germline): Uncertain significance. Review status: criteria provided, multiple submitters, no conflicts (2 of 4 stars). 4 submissions from 3 submitters: Uncertain significance (4). Last evaluated 2022-07-11.

Conditions:
Aortic valve disease 1 (AOVD1). Identifiers: MedGen C3887892, MONDO:0024523, OMIM 109730.
Adams-Oliver syndrome 5 (AOS5). Identifiers: Orphanet 974, MedGen C4014970, MONDO:0014459, OMIM 616028.

Submissions (4):

Labcorp Genetics (formerly Invitae), Labcorp
Classification: Uncertain significance for Adams-Oliver syndrome 5. Last evaluated: 2022-07-11. Review status: criteria provided, single submitter. Criteria: Invitae Variant Classification Sherloc (09022015). Collection method: clinical testing. Allele origin: germline.
Comment: In summary, the available evidence is currently insufficient to determine the role of this variant in disease. Therefore, it has been classified as a Variant of Uncertain Significance. Advanced modeling of protein sequence and biophysical properties (such as structural, functional, and spatial information, amino acid conservation, physicochemical variation, residue mobility, and thermodynamic stability) performed at Invitae indicates that this missense variant is not expected to disrupt NOTCH1 protein function. ClinVar contains an entry for this variant (Variation ID: 943124). This variant has not been reported in the literature in individuals affected with NOTCH1-related conditions. This variant is not present in population databases (gnomAD no frequency). This sequence change replaces threonine, which is neutral and polar, with isoleucine, which is neutral and non-polar, at codon 988 of the NOTCH1 protein (p.Thr988Ile).

Genome-Nilou Lab
Classification: Uncertain significance for Adams-Oliver syndrome 5. Last evaluated: 2022-03-15. Review status: criteria provided, single submitter. Criteria: ACMG Guidelines, 2015. Collection method: clinical testing. Allele origin: germline. Affected: no.

Genome-Nilou Lab
Classification: Uncertain significance for Aortic valve disease 1. Last evaluated: 2022-03-15. Review status: criteria provided, single submitter. Criteria: ACMG Guidelines, 2015. Collection method: clinical testing. Allele origin: germline. Affected: no.

GeneDx
Classification: Uncertain significance. Last evaluated: 2019-10-17. Review status: criteria provided, single submitter. Criteria: GeneDx Variant Classification Process June 2021. Collection method: clinical testing. Allele origin: germline. Affected: yes.
Comment: Has not been previously published as pathogenic or benign to our knowledge; Not observed in large population cohorts (Lek et al., 2016); In silico analysis, which includes protein predictors and evolutionary conservation, supports a deleterious effect

NM_017617.5(NOTCH1):c.2963C>T (p.Thr988Ile)

Gene: NOTCH1 (notch receptor 1; minus strand). Cytogenetic location: 9q34.3.
Variant type: single nucleotide variant.
Coding change: c.2963C>T on transcript NM_017617.5 (MANE Select); coding-DNA position 2963, C replaced by T.
Protein change: p.Thr988Ile; replaces threonine 988 with isoleucine.
Molecular consequence: missense variant.
Genome position (GRCh38, 1-based): chr9:136,509,739, G>A on the plus strand (C>T on the coding strand, the complement: NOTCH1 is on the minus strand). VCF-style: chr9-136509739-G-A. GRCh37 (hg19) VCF-style: chr9-139404191-G-A.
Other names: short protein forms T988I.
Identifiers: ClinVar variation 943124 (VCV000943124.12), dbSNP rs1843147704, ClinGen allele CA375553443.